The following is an entry in ClinVar:

NM_001378418.1(TCF20):c.5791A>G (p.Lys1931Glu)

Gene: TCF20 (transcription factor 20; minus strand). Cytogenetic location: 22q13.2.
Variant type: single nucleotide variant.
Coding change: c.5791A>G on transcript NM_001378418.1 (MANE Select); coding-DNA position 5791, A replaced by G.
Protein change: p.Lys1931Glu; replaces lysine 1931 with glutamic acid.
Molecular consequence: missense variant.
Genome position (GRCh38, 1-based): chr22:42,169,855, T>C on the plus strand (A>G on the coding strand, the complement: TCF20 is on the minus strand). VCF-style: chr22-42169855-T-C. GRCh37 (hg19) VCF-style: chr22-42565861-T-C.
Other names: c.5791A>G, p.Lys1931Glu (NM_005650.4, NM_181492.3); c.5791A>G (NM_005650.1); short protein forms K1931E.
Identifiers: ClinVar variation 3629416 (VCV003629416.3).
Genomic context (GRCh38, chr22:42,169,855, plus strand): 5'-GAGCCACCCTCGATCCCATCCCTGCTGGTAGCTCTTGGGGCCTCTGACTCACCTTGTGCT[T>C]AGGGCACCTCACCGAGAAGTTCTCCTCATGTAGCAAACAATCTGGAAGACAGAAGGGGAC-3'
Protein context (NP_001365347.1, residues 1921-1941): HEENFSVRCP[Lys1931Glu]HKPPLPCPLP

ClinVar aggregate classification (germline): Uncertain significance. Review status: criteria provided, multiple submitters, no conflicts (2 of 4 stars). 2 submissions from 2 submitters: Uncertain significance (2). Last evaluated 2025-07-02.

Conditions:
Inborn genetic diseases. Identifiers: MedGen C0950123, MeSH D030342.

gnomAD v4.1: 11 of 1,613,238 alleles (0.00068%); highest among the groups gnomAD compares: African/African-American, 0.008%; no homozygotes.

Submissions (2):

Ambry Genetics
Classification: Uncertain significance for Inborn genetic diseases. Last evaluated: 2025-07-02. Review status: criteria provided, single submitter. Criteria: Ambry Variant Classification Scheme 2023. Collection method: clinical testing. Allele origin: germline.

Labcorp Genetics (formerly Invitae), Labcorp
Classification: Uncertain significance. Last evaluated: 2024-05-06. Review status: criteria provided, single submitter. Criteria: Invitae Variant Classification Sherloc (09022015). Collection method: clinical testing. Allele origin: germline.
Comment: This sequence change replaces lysine, which is basic and polar, with glutamic acid, which is acidic and polar, at codon 1931 of the TCF20 protein (p.Lys1931Glu). This variant is present in population databases (rs762406048, gnomAD 0.007%). This variant has not been reported in the literature in individuals affected with TCF20-related conditions. An algorithm developed to predict the effect of missense changes on protein structure and function (PolyPhen-2) suggests that this variant is likely to be disruptive. In summary, the available evidence is currently insufficient to determine the role of this variant in disease. Therefore, it has been classified as a Variant of Uncertain Significance.